The following is an entry in ClinVar:

NM_001278431.2(C1QTNF5):c.7C>A (p.Pro3Thr)

Genes: C1QTNF5 (C1q and TNF related 5; minus strand), MFRP (membrane frizzled-related protein; minus strand). Cytogenetic location: 11q23.3.
Variant type: single nucleotide variant.
Coding change: c.7C>A on transcript NM_001278431.2 (MANE Select); coding-DNA position 7, C replaced by A.
Protein change: p.Pro3Thr; replaces proline 3 with threonine.
Molecular consequence: missense variant. On other transcripts: 3 prime UTR variant (1).
Genome position (GRCh38, 1-based): chr11:119,340,391, G>T on the plus strand (C>A on the coding strand, the complement: C1QTNF5 is on the minus strand). VCF-style: chr11-119340391-G-T. GRCh37 (hg19) VCF-style: chr11-119211101-G-T.
Other names: c.7C>A, p.Pro3Thr (NM_015645.5); c.*903C>A (NM_031433.4); c.7C>A (NM_001278431.1); short protein forms P3T.
Identifiers: ClinVar variation 1026750 (VCV001026750.9), dbSNP rs966935571, ClinGen allele CA229674896.

ClinVar aggregate classification (germline): Uncertain significance. Review status: criteria provided, multiple submitters, no conflicts (2 of 4 stars). 2 submissions from 2 submitters: Uncertain significance (2). Last evaluated 2026-09-23.

Conditions:
C1QTNF5-related disorder. Also called: C1QTNF5-related condition.

Allele frequency attached by ClinVar (database versions not stated): gnomAD exomes 0.00001 and 0.00004; gnomAD 0.00009; TOPMed 0.00014.
gnomAD v4.1: 26 of 1,544,956 alleles (0.0017%); highest among the groups gnomAD compares: African/African-American, 0.03%; no homozygotes.

Submissions (2):

PreventionGenetics, part of Exact Sciences
Classification: Uncertain significance for C1QTNF5-related condition. Last evaluated: 2026-09-23. Review status: criteria provided, single submitter. Criteria: ACMG Guidelines, 2015. Collection method: clinical testing. Allele origin: germline.
Comment: The C1QTNF5 c.7C>A variant is predicted to result in the amino acid substitution p.Pro3Thr. To our knowledge, this variant has not been reported in the literature. This variant is reported in 0.032% of alleles in individuals of African descent in gnomAD. At this time, the clinical significance of this variant is uncertain due to the absence of conclusive functional and genetic evidence.

Labcorp Genetics (formerly Invitae), Labcorp
Classification: Uncertain significance. Last evaluated: 2025-12-17. Review status: criteria provided, single submitter. Criteria: Invitae Variant Classification Sherloc (09022015). Collection method: clinical testing. Allele origin: germline.
Comment: This sequence change replaces proline, which is neutral and non-polar, with threonine, which is neutral and polar, at codon 3 of the C1QTNF5 protein (p.Pro3Thr). This variant is present in population databases (no rsID available, gnomAD 0.03%). This variant has not been reported in the literature in individuals affected with C1QTNF5-related conditions. ClinVar contains an entry for this variant (Variation ID: 1026750). Experimental studies and prediction algorithms are not available or were not evaluated, and the functional significance of this variant is currently unknown. In summary, the available evidence is currently insufficient to determine the role of this variant in disease. Therefore, it has been classified as a Variant of Uncertain Significance.